The following is an entry in ClinVar:

NM_001080467.3(MYO5B):c.764A>G (p.Asp255Gly)

Gene: MYO5B (myosin VB; minus strand). Cytogenetic location: 18q21.1.
Variant type: single nucleotide variant.
Coding change: c.764A>G on transcript NM_001080467.3 (MANE Select); coding-DNA position 764, A replaced by G.
Protein change: p.Asp255Gly; replaces aspartic acid 255 with glycine.
Molecular consequence: missense variant.
Genome position (GRCh38, 1-based): chr18:49,990,513, T>C on the plus strand (A>G on the coding strand, the complement: MYO5B is on the minus strand). VCF-style: chr18-49990513-T-C. GRCh37 (hg19) VCF-style: chr18-47516883-T-C.
Other names: c.764A>G (NM_001080467.2); short protein forms D255G.
Identifiers: ClinVar variation 1405442 (VCV001405442.6), dbSNP rs376607398, ClinGen allele CA8961777.

ClinVar aggregate classification (germline): Uncertain significance. Review status: criteria provided, multiple submitters, no conflicts (2 of 4 stars). 2 submissions from 2 submitters: Uncertain significance (2). Last evaluated 2025-01-20.

Conditions:
Inborn genetic diseases. Identifiers: MedGen C0950123, MeSH D030342.

Allele frequency attached by ClinVar (database versions not stated): gnomAD exomes 0.00001; ExAC 0.00002; TOPMed 0.00004; ESP Exome Variant Server 0.00008.
gnomAD v4.1: 7 of 1,613,326 alleles (0.00043%); highest among the groups gnomAD compares: African/African-American, 0.008%; no homozygotes.

Submissions (2):

Ambry Genetics
Classification: Uncertain significance for Inborn genetic diseases. Last evaluated: 2025-01-20. Review status: criteria provided, single submitter. Criteria: Ambry Variant Classification Scheme 2023. Collection method: clinical testing. Allele origin: germline.

Labcorp Genetics (formerly Invitae), Labcorp
Classification: Uncertain significance. Last evaluated: 2023-10-13. Review status: criteria provided, single submitter. Criteria: Invitae Variant Classification Sherloc (09022015). Collection method: clinical testing. Allele origin: germline.
Comment: This sequence change replaces aspartic acid, which is acidic and polar, with glycine, which is neutral and non-polar, at codon 255 of the MYO5B protein (p.Asp255Gly). This variant is present in population databases (rs376607398, gnomAD 0.01%). This variant has not been reported in the literature in individuals affected with MYO5B-related conditions. ClinVar contains an entry for this variant (Variation ID: 1405442). Advanced modeling of protein sequence and biophysical properties (such as structural, functional, and spatial information, amino acid conservation, physicochemical variation, residue mobility, and thermodynamic stability) performed at Invitae indicates that this missense variant is not expected to disrupt MYO5B protein function. Algorithms developed to predict the effect of sequence changes on RNA splicing suggest that this variant may create or strengthen a splice site. In summary, the available evidence is currently insufficient to determine the role of this variant in disease. Therefore, it has been classified as a Variant of Uncertain Significance.